The following is an entry in ClinVar:

NM_172107.4(KCNQ2):c.1014C>T (p.Gly338=)

Gene: KCNQ2 (potassium voltage-gated channel subfamily Q member 2; minus strand). Cytogenetic location: 20q13.33.
Variant type: single nucleotide variant.
Coding change: c.1014C>T on transcript NM_172107.4 (MANE Select); coding-DNA position 1014, C replaced by T.
Protein change: p.Gly338=; no amino-acid change (glycine 338 retained).
Molecular consequence: synonymous variant.
Genome position (GRCh38, 1-based): chr20:63,438,634, G>A on the plus strand (C>T on the coding strand, the complement: KCNQ2 is on the minus strand). VCF-style: chr20-63438634-G-A. GRCh37 (hg19) VCF-style: chr20-62069987-G-A.
Other names: c.1014C>T, p.Gly338= (NM_172108.5, NM_172109.3, NM_001382235.1 and 2 more transcripts).
Identifiers: ClinVar variation 2652533 (VCV002652533.24), dbSNP rs2516408579, ClinGen allele CA511207621.

ClinVar aggregate classification (germline): Likely benign (1 of 4 stars; one submission).

Submission:

CeGaT Center for Human Genetics Tuebingen
Classification: Likely benign. Last evaluated: 2022-11-01. Review status: criteria provided, single submitter. Criteria: CeGaT Center For Human Genetics Tuebingen Variant Classification Criteria Version 2. Collection method: clinical testing. Allele origin: germline. Affected: yes. Observed: 1 variant allele.
Comment: KCNQ2: PM2:Supporting, BP4, BP7